The following is an entry in ClinVar:

NM_006363.6(SEC23B):c.770C>T (p.Thr257Ile)

Gene: SEC23B (SEC23 homolog B, COPII component; plus strand). Cytogenetic location: 20p11.23.
Variant type: single nucleotide variant.
Coding change: c.770C>T on transcript NM_006363.6 (MANE Select); coding-DNA position 770, C replaced by T.
Protein change: p.Thr257Ile; replaces threonine 257 with isoleucine.
Molecular consequence: missense variant.
Genome position (GRCh38, 1-based): chr20:18,525,868, C>T. VCF-style: chr20-18525868-C-T. GRCh37 (hg19) VCF-style: chr20-18506512-C-T.
Other names: p.Thr257Ile; c.770C>T, p.Thr257Ile (NM_001172745.3, NM_032985.6, NM_032986.5); c.716C>T, p.Thr239Ile (NM_001172746.3); short protein forms T239I, T257I.
Identifiers: ClinVar variation 811603 (VCV000811603.54), dbSNP rs146917730, ClinGen allele CA9778120.

ClinVar aggregate classification (germline): Conflicting classifications of pathogenicity. Review status: criteria provided, conflicting classifications (1 of 4 stars). 6 submissions from 6 submitters: Uncertain significance (1); Benign (5). Last evaluated 2026-09-01.

Conditions:
Congenital dyserythropoietic anemia, type II (CDAN2). Also called: DYSERYTHROPOIETIC ANEMIA, HEMPAS TYPE. Identifiers: Orphanet 98873, MedGen C1306589, MONDO:0009134, OMIM 224100.
Cowden syndrome 7 (CWS7). Identifiers: Orphanet 201, MedGen C4225179, MONDO:0014802, OMIM 616858.

Allele frequency attached by ClinVar (database versions not stated): 1000 Genomes Project 30x 0.00515; 1000 Genomes Project 0.00559; TOPMed 0.00897; gnomAD 0.01005 and 0.01006; ESP Exome Variant Server 0.01153; gnomAD exomes 0.01193 and 0.01415; ExAC 0.01360.
gnomAD v4.1: 22,146 of 1,614,154 alleles (1.4%); highest among the groups gnomAD compares: Non-Finnish European, 1.6%; 185 homozygotes.

Submissions (6):

CeGaT Center for Human Genetics Tuebingen
Classification: Benign. Last evaluated: 2026-09-01. Review status: criteria provided, single submitter. Criteria: CeGaT Center For Human Genetics Tuebingen Variant Classification Criteria Version 2. Collection method: clinical testing. Allele origin: germline. Affected: yes. Observed: 156 variant alleles.
Comment: SEC23B: BS1, BS2

Labcorp Genetics (formerly Invitae), Labcorp
Classification: Benign for Congenital dyserythropoietic anemia, type II; Cowden syndrome 7. Last evaluated: 2026-02-04. Review status: criteria provided, single submitter. Criteria: Invitae Variant Classification Sherloc (09022015). Collection method: clinical testing. Allele origin: germline.

Mayo Clinic Laboratories, Mayo Clinic
Classification: Uncertain significance. Last evaluated: 2025-10-28. Review status: criteria provided, single submitter. Criteria: ACMG Guidelines, 2015. Collection method: clinical testing. Allele origin: germline. Observed: 56 variant alleles.

ARUP Laboratories, Molecular Genetics and Genomics, ARUP Laboratories
Classification: Benign. Last evaluated: 2025-07-01. Review status: criteria provided, single submitter. Criteria: ARUP Molecular Germline Variant Investigation Process 2024. Collection method: clinical testing. Allele origin: germline.

GeneDx
Classification: Benign. Last evaluated: 2020-03-27. Review status: criteria provided, single submitter. Criteria: GeneDx Variant Classification Process June 2021. Collection method: clinical testing. Allele origin: germline. Affected: yes.
Comment: This variant is associated with the following publications: (PMID: 25251786)

Illumina Laboratory Services, Illumina
Classification: Benign for Congenital dyserythropoietic anemia, type II. Last evaluated: 2018-01-12. Review status: criteria provided, single submitter. Criteria: ICSL Variant Classification Criteria 13 December 2019. Collection method: clinical testing. Allele origin: germline.
Comment: This variant was observed in the ICSL laboratory as part of a predisposition screen in an ostensibly healthy population. It had not been previously curated by ICSL or reported in the Human Gene Mutation Database (HGMD: prior to June 1st, 2018), and was therefore a candidate for classification through an automated scoring system. Utilizing variant allele frequency, disease prevalence and penetrance estimates, and inheritance mode, an automated score was calculated to assess if this variant is too frequent to cause the disease. Based on the score and internal cut-off values, a variant classified as benign is not then subjected to further curation. The score for this variant resulted in a classification of benign for this disease.

Literature cited by the submitters: PubMed 25251786 (cited by Mayo Clinic Laboratories, Mayo Clinic).